The following is an entry in ClinVar:

ClinVar aggregate classification (germline): Benign/Likely benign. Review status: criteria provided, multiple submitters, no conflicts (2 of 4 stars). 5 submissions from 5 submitters: Benign (1); Likely benign (4). Last evaluated 2026-04-16.

Conditions:
Hereditary cancer-predisposing syndrome. Also called: Hereditary neoplastic syndrome; Tumor predisposition; Neoplastic Syndromes, Hereditary; Hereditary Cancer Syndrome. Identifiers: Orphanet 140162, MedGen C0027672, MeSH D009386, MONDO:0015356.
DICER1-related tumor predisposition. Also called: DICER1 syndrome; DICER1-related pleuropulmonary blastoma cancer predisposition syndrome. Identifiers: Orphanet 284343, MedGen C3839822, MONDO:0100216.

Allele frequency attached by ClinVar (database versions not stated): gnomAD 0.00001; ExAC 0.00003; gnomAD exomes 0.00004; 1000 Genomes Project 30x 0.00016; 1000 Genomes Project 0.00020.
gnomAD v4.1: 59 of 1,614,170 alleles (0.0037%); highest among the groups gnomAD compares: East Asian, 0.12%; no homozygotes.

Submissions (5):

Myriad Genetics, Inc.
Classification: Benign for DICER1-related tumor predisposition. Last evaluated: 2026-04-16. Review status: criteria provided, single submitter. Criteria: Myriad Autosomal Dominant, Autosomal Recessive and X-Linked Classification Criteria (2023). Collection method: clinical testing. Allele origin: unknown.
Comment: This variant is considered benign. This variant is a silent/synonymous amino acid change and it is not expected to impact splicing.

Labcorp Genetics (formerly Invitae), Labcorp
Classification: Likely benign for DICER1-related tumor predisposition. Last evaluated: 2025-08-07. Review status: criteria provided, single submitter. Criteria: Invitae Variant Classification Sherloc (09022015). Collection method: clinical testing. Allele origin: germline.

CeGaT Center for Human Genetics Tuebingen
Classification: Likely benign. Last evaluated: 2025-05-01. Review status: criteria provided, single submitter. Criteria: CeGaT Center For Human Genetics Tuebingen Variant Classification Criteria Version 2. Collection method: clinical testing. Allele origin: germline. Affected: yes. Observed: 1 variant allele.
Comment: DICER1: BP4, BP7

Sema4
Classification: Likely benign for Hereditary cancer-predisposing syndrome. Last evaluated: 2021-04-22. Review status: criteria provided, single submitter. Criteria: Sema4 Curation Guidelines. Collection method: curation. Allele origin: germline.

Ambry Genetics
Classification: Likely benign for Hereditary cancer-predisposing syndrome. Last evaluated: 2017-07-31. Review status: criteria provided, single submitter. Criteria: Ambry Variant Classification Scheme 2023. Collection method: clinical testing. Allele origin: germline.

NM_177438.3(DICER1):c.2199G>A (p.Glu733=)

Gene: DICER1 (dicer 1, ribonuclease III; minus strand). Cytogenetic location: 14q32.13.
Variant type: single nucleotide variant.
Coding change: c.2199G>A on transcript NM_177438.3 (MANE Select); coding-DNA position 2199, G replaced by A.
Protein change: p.Glu733=; no amino-acid change (glutamic acid 733 retained).
Molecular consequence: synonymous variant.
Genome position (GRCh38, 1-based): chr14:95,111,374, C>T on the plus strand (G>A on the coding strand, the complement: DICER1 is on the minus strand). VCF-style: chr14-95111374-C-T. GRCh37 (hg19) VCF-style: chr14-95577711-C-T.
Other names: c.2199G>A, p.Glu733= (NM_001195573.1, NM_001271282.3, NM_001291628.2 and 1 more transcripts).
Identifiers: ClinVar variation 477092 (VCV000477092.27), dbSNP rs201668559, ClinGen allele CA7331293.
Genomic context (GRCh38, chr14:95,111,374, plus strand): 5'-AACTGCTTTTGGGTAGCACTGCCTTCGTTTCGTGGAACCTGGTCTTCCTGGAACACTGGT[C>T]TCTTCTTCATCATGCAAATCAAGCTCCTCTTCATATTTAACAGTCTCTTTCCCAACTGGC-3'
Protein context (NP_803187.1, residues 723-743): EEELDLHDEE[Glu733=]TSVPGRPGST